The following is an entry in ClinVar:

NM_015450.3(POT1):c.1301T>C (p.Val434Ala)

Gene: POT1 (protection of telomeres 1; minus strand). Cytogenetic location: 7q31.33.
Variant type: single nucleotide variant.
Coding change: c.1301T>C on transcript NM_015450.3 (MANE Select); coding-DNA position 1301, T replaced by C.
Protein change: p.Val434Ala; replaces valine 434 with alanine.
Molecular consequence: missense variant. On other transcripts: non-coding transcript variant (3).
Genome position (GRCh38, 1-based): chr7:124,841,041, A>G on the plus strand (T>C on the coding strand, the complement: POT1 is on the minus strand). VCF-style: chr7-124841041-A-G. GRCh37 (hg19) VCF-style: chr7-124481095-A-G.
Other names: c.908T>C, p.Val303Ala (NM_001042594.2); short protein forms V434A, V303A.
Identifiers: ClinVar variation 1945418 (VCV001945418.5), dbSNP rs2116461386, ClinGen allele CA369066991.
Genomic context (GRCh38, chr7:124,841,041, plus strand): 5'-AAAAGTAGACATTCATTTGAAAGCGGGAGAATACCATTATTTTTCACAAAATGAACTGCT[A>G]CTTTTCGTCCTTTTTGATTTTTAGTGGTCCAGATTTTTGAATCATATAATGATGTATTTT-3'
Protein context (NP_056265.2, residues 424-444): WTTKNQKGRK[Val434Ala]AVHFVKNNGI

ClinVar aggregate classification (germline): Uncertain significance (1 of 4 stars; one submission).

Conditions:
Tumor predisposition syndrome 3 (TPDS3). Also called: LONG TELOMERE SYNDROME, POT1-RELATED; POT1 Tumor Predisposition; Melanoma, cutaneous malignant, susceptibility to, 10; Glioma susceptibility 9. Identifiers: Orphanet 618, MedGen C4014476, MONDO:0014368, OMIM 615848.

Allele frequency attached by ClinVar (database versions not stated): gnomAD exomes below 0.00001.
gnomAD v4.1: 1 of 1,612,472 alleles (0.000062%); highest among the groups gnomAD compares: Non-Finnish European, 0.000085%; no homozygotes.

Submission:

Labcorp Genetics (formerly Invitae), Labcorp
Classification: Uncertain significance for Tumor predisposition syndrome 3. Last evaluated: 2022-12-16. Review status: criteria provided, single submitter. Criteria: Invitae Variant Classification Sherloc (09022015). Collection method: clinical testing. Allele origin: germline.
Comment: This sequence change replaces valine, which is neutral and non-polar, with alanine, which is neutral and non-polar, at codon 434 of the POT1 protein (p.Val434Ala). This variant is not present in population databases (gnomAD no frequency). This variant has not been reported in the literature in individuals affected with POT1-related conditions. Advanced modeling of protein sequence and biophysical properties (such as structural, functional, and spatial information, amino acid conservation, physicochemical variation, residue mobility, and thermodynamic stability) performed at Invitae indicates that this missense variant is not expected to disrupt POT1 protein function. In summary, the available evidence is currently insufficient to determine the role of this variant in disease. Therefore, it has been classified as a Variant of Uncertain Significance.